The following is an entry in ClinVar:

NM_000465.4(BARD1):c.1926A>G (p.Arg642=)

Gene: BARD1 (BRCA1 associated RING domain 1; minus strand). Cytogenetic location: 2q35.
Variant type: single nucleotide variant.
Coding change: c.1926A>G on transcript NM_000465.4 (MANE Select); coding-DNA position 1926, A replaced by G.
Protein change: p.Arg642=; no amino-acid change (arginine 642 retained).
Molecular consequence: synonymous variant. On other transcripts: non-coding transcript variant (3).
Genome position (GRCh38, 1-based): chr2:214,730,486, T>C on the plus strand (A>G on the coding strand, the complement: BARD1 is on the minus strand). VCF-style: chr2-214730486-T-C. GRCh37 (hg19) VCF-style: chr2-215595210-T-C.
Other names: c.1869A>G, p.Arg623= (NM_001282543.2); c.573A>G, p.Arg191= (NM_001282545.2); c.516A>G, p.Arg172= (NM_001282548.2); c.387A>G, p.Arg129= (NM_001282549.2).
Identifiers: ClinVar variation 482775 (VCV000482775.15), dbSNP rs1553612528, ClinGen allele CA431139629.

ClinVar aggregate classification (germline): Benign/Likely benign. Review status: criteria provided, multiple submitters, no conflicts (2 of 4 stars). 3 submissions from 3 submitters: Benign (1); Likely benign (2). Last evaluated 2024-07-29.

Conditions:
Hereditary cancer-predisposing syndrome. Also called: Neoplastic Syndromes, Hereditary; Tumor predisposition; Hereditary Cancer Syndrome; Hereditary neoplastic syndrome. Identifiers: Orphanet 140162, MedGen C0027672, MeSH D009386, MONDO:0015356.
Familial cancer of breast. Also called: BREAST CANCER, FAMILIAL; Hereditary breast cancer; hereditary breast carcinoma. Identifiers: Orphanet 227535, MedGen C0346153, MONDO:0016419, OMIM 114480. Disease mechanism: loss of function.

Allele frequency attached by ClinVar (database versions not stated): gnomAD exomes below 0.00001.
gnomAD v4.1: 1 of 1,614,006 alleles (0.000062%); highest among the groups gnomAD compares: Non-Finnish European, 0.000085%; no homozygotes.

Submissions (3):

Myriad Genetics, Inc.
Classification: Benign for Familial cancer of breast. Last evaluated: 2024-07-29. Review status: criteria provided, single submitter. Criteria: Myriad Autosomal Dominant, Autosomal Recessive and X-Linked Classification Criteria (2023). Collection method: clinical testing. Allele origin: unknown.
Comment: This variant is considered benign. This variant is a silent/synonymous amino acid change and it is not expected to impact splicing.

Labcorp Genetics (formerly Invitae), Labcorp
Classification: Likely benign for Familial cancer of breast. Last evaluated: 2023-09-23. Review status: criteria provided, single submitter. Criteria: Invitae Variant Classification Sherloc (09022015). Collection method: clinical testing. Allele origin: germline.

Ambry Genetics
Classification: Likely benign for Hereditary cancer-predisposing syndrome. Last evaluated: 2016-02-14. Review status: criteria provided, single submitter. Criteria: Ambry Variant Classification Scheme 2023. Collection method: clinical testing. Allele origin: germline.